The following is an entry in ClinVar:

NM_000051.4(ATM):c.6146_6147del (p.Thr2048_Tyr2049insTer)

Genes: C11orf65 (chromosome 11 open reading frame 65; minus strand), ATM (ATM serine/threonine kinase; plus strand). Cytogenetic location: 11q22.3.
Variant type: Microsatellite.
Coding change: c.6146_6147del on transcript NM_000051.4 (MANE Select); coding-DNA positions 6146 to 6147, 2 bases deleted (AT; older notation c.6146_6147delAT).
Protein change: p.Thr2048_Tyr2049insTer.
Molecular consequence: nonsense. On other transcripts: frameshift variant (2), intron variant (2).
Genome position (GRCh38, 1-based): chr11:108,316,061-108,316,062, AT deleted; deleting any 2 consecutive bases within chr11:108,316,059-108,316,062 gives the same sequence; the c. name uses the placement nearest the transcript's 3' end. VCF-style (leftmost placement, unchanged base first): chr11-108316058-CAT-C. GRCh37 (hg19) VCF-style: chr11-108186785-CAT-C.
Other names: c.6146_6147delAT (NM_000051.3); c.6146_6147del (NM_000051.3); c.6146_6147del, p.Thr2048_Tyr2049insTer (NM_001351834.2); c.641-6989_641-6988del (NM_001330368.2); c.*39-6989_*39-6988del (NM_001351110.2).
Identifiers: ClinVar variation 576000 (VCV000576000.22), dbSNP rs1565499757, ClinGen allele CA501141.

ClinVar aggregate classification (germline): Pathogenic. Review status: criteria provided, multiple submitters, no conflicts (2 of 4 stars). 6 submissions from 6 submitters: Pathogenic (6). Last evaluated 2026-01-31.

Conditions:
Hereditary cancer-predisposing syndrome. Also called: Hereditary Cancer Syndrome; Neoplastic Syndromes, Hereditary; Tumor predisposition; Hereditary neoplastic syndrome. Identifiers: Orphanet 140162, MedGen C0027672, MeSH D009386, MONDO:0015356.
Ataxia-telangiectasia syndrome (AT). Also called: Cerebello-oculocutaneous telangiectasia; Immunodeficiency with ataxia telangiectasia; Ataxia-telangiectasia, complementation group E; Ataxia-telangiectasia, complementation group D; AT, COMPLEMENTATION GROUP C; ATAXIA-TELANGIECTASIA, COMPLEMENTATION GROUP A. Identifiers: Orphanet 100, MedGen C0004135, MONDO:0008840, OMIM 208900.
Familial cancer of breast. Also called: BREAST CANCER, FAMILIAL; Hereditary breast cancer; hereditary breast carcinoma. Identifiers: Orphanet 227535, MedGen C0346153, MONDO:0016419, OMIM 114480. Disease mechanism: loss of function.

Submissions (6):

Labcorp Genetics (formerly Invitae), Labcorp
Classification: Pathogenic for Ataxia-telangiectasia syndrome. Last evaluated: 2026-01-31. Review status: criteria provided, single submitter. Criteria: Invitae Variant Classification Sherloc (09022015). Collection method: clinical testing. Allele origin: germline.
Comment: This sequence change creates a premature translational stop signal (p.Tyr2049*) in the ATM gene. It is expected to result in an absent or disrupted protein product. Loss-of-function variants in ATM are known to be pathogenic (PMID: 23807571, 25614872). This variant is not present in population databases (gnomAD no frequency). This variant has not been reported in the literature in individuals affected with ATM-related conditions. ClinVar contains an entry for this variant (Variation ID: 576000). For these reasons, this variant has been classified as Pathogenic.

GeneDx
Classification: Pathogenic. Last evaluated: 2025-03-23. Review status: criteria provided, single submitter. Criteria: GeneDx Variant Classification Process June 2021. Collection method: clinical testing. Allele origin: germline. Affected: yes.
Comment: Truncating variants in this gene are considered pathogenic by a well-established clinical consortium and/or database; Nonsense variant predicted to result in protein truncation or nonsense mediated decay in a gene for which loss of function is a known mechanism of disease; Not observed at significant frequency in large population cohorts (gnomAD); This variant is associated with the following publications: (PMID: 30287823, 29470806)

Ambry Genetics
Classification: Pathogenic for Hereditary cancer-predisposing syndrome. Last evaluated: 2024-09-04. Review status: criteria provided, single submitter. Criteria: Ambry Variant Classification Scheme 2023. Collection method: clinical testing. Allele origin: germline.
Comment: The c.6146_6147delAT pathogenic mutation, located in coding exon 41 of the ATM gene, results from a deletion of two nucleotides at nucleotide positions 6146 to 6147, causing a translational frameshift with a predicted alternate stop codon (p.Y2049*). This variant is considered to be rare based on population cohorts in the Genome Aggregation Database (gnomAD). This alteration is expected to result in loss of function by premature protein truncation or nonsense-mediated mRNA decay. As such, this alteration is interpreted as a disease-causing mutation.

Molecular Pathology, Peter Maccallum Cancer Centre
Classification: Pathogenic for Ataxia-telangiectasia syndrome. Last evaluated: 2024-04-24. Review status: criteria provided, single submitter. Criteria: ACMG Guidelines, 2015. Collection method: clinical testing. Allele origin: germline. Inheritance: Autosomal recessive inheritance.

Baylor Genetics
Classification: Pathogenic for Familial cancer of breast. Last evaluated: 2024-02-17. Review status: criteria provided, single submitter. Criteria: ACMG Guidelines, 2015. Collection method: clinical testing. Allele origin: unknown.

Myriad Genetics, Inc.
Classification: Pathogenic for Familial cancer of breast. Last evaluated: 2024-01-29. Review status: criteria provided, single submitter. Criteria: Myriad Autosomal Dominant, Autosomal Recessive and X-Linked Classification Criteria (2023). Collection method: clinical testing. Allele origin: unknown.
Comment: This variant is considered pathogenic. This variant creates a termination codon and is predicted to result in premature protein truncation.

Literature cited by the submitters: PubMed 23807571 (cited by Labcorp Genetics (formerly Invitae), Labcorp); PubMed 25614872 (cited by Labcorp Genetics (formerly Invitae), Labcorp).